The following is an entry in ClinVar:

ClinVar aggregate classification (germline): Likely pathogenic (1 of 4 stars; one submission).

Conditions:
Spinocerebellar ataxia, autosomal recessive, with axonal neuropathy 2 (SCAN2). Also called: ATAXIA-OCULOMOTOR APRAXIA 2; Ataxia-ocular apraxia-2; Ataxia with Oculomotor Apraxia Type 2; Ataxia with Oculomotor Apraxia. Identifiers: Orphanet 64753, MedGen C1853761, MONDO:0018996, OMIM 606002.
Amyotrophic lateral sclerosis type 4 (ALS4). Also called: AMYOTROPHIC LATERAL SCLEROSIS 4, JUVENILE; NEURONOPATHY, DISTAL HEREDITARY MOTOR, WITH PYRAMIDAL FEATURES. Identifiers: Orphanet 357043, MedGen C1865409, MONDO:0011223, OMIM 602433.

Submission:

Labcorp Genetics (formerly Invitae), Labcorp
Classification: Likely pathogenic for Amyotrophic lateral sclerosis type 4; Spinocerebellar ataxia, autosomal recessive, with axonal neuropathy 2. Last evaluated: 2021-08-03. Review status: criteria provided, single submitter. Criteria: Invitae Variant Classification Sherloc (09022015). Collection method: clinical testing. Allele origin: germline.
Comment: This sequence change affects a donor splice site in intron 21 of the SETX gene. It is expected to disrupt RNA splicing. Variants that disrupt the donor or acceptor splice site typically lead to a loss of protein function (PMID: 16199547), and loss-of-function variants in SETX are known to be pathogenic (PMID: 14770181). This variant is not present in population databases (ExAC no frequency). This variant has not been reported in the literature in individuals affected with SETX-related conditions. Algorithms developed to predict the effect of sequence changes on RNA splicing suggest that this variant may disrupt the consensus splice site. In summary, the currently available evidence indicates that the variant is pathogenic, but additional data are needed to prove that conclusively. Therefore, this variant has been classified as Likely Pathogenic.

Literature cited by the submitters: PubMed 16199547; PubMed 14770181.

NM_015046.7(SETX):c.6842+1G>T

Gene: SETX (senataxin; minus strand). Cytogenetic location: 9q34.13.
Variant type: single nucleotide variant.
Coding change: c.6842+1G>T on transcript NM_015046.7 (MANE Select); the canonical splice donor site of the intron after coding-DNA position 6842, G replaced by T.
Molecular consequence: splice donor variant.
Genome position (GRCh38, 1-based): chr9:132,278,069, C>A on the plus strand (G>T on the coding strand, the complement: SETX is on the minus strand). VCF-style: chr9-132278069-C-A. GRCh37 (hg19) VCF-style: chr9-135153456-C-A.
Other names: c.6842+1G>T (NM_001351528.2, NM_001351527.2).
Identifiers: ClinVar variation 1490503 (VCV001490503.6), dbSNP rs1038776365, ClinGen allele CA375330735.
Genomic context (GRCh38, chr9:132,278,069, plus strand): 5'-TATTCTTCATAAGTAGCTAAACTACAACAAAATAAGGTCACAAACAATAAGGGGAACTCA[C>A]CTATTTGTTTTTAAGTTTCTGTTATAAACATAATTAGAAGGGAAGAGGCATATGTCTGGA-3'